The following is an entry in ClinVar:

NM_000748.3(CHRNB2):c.598A>C (p.Ser200Arg)

Gene: CHRNB2 (cholinergic receptor nicotinic beta 2 subunit; plus strand). Cytogenetic location: 1q21.3.
Variant type: single nucleotide variant.
Coding change: c.598A>C on transcript NM_000748.3 (MANE Select); coding-DNA position 598, A replaced by C.
Protein change: p.Ser200Arg; replaces serine 200 with arginine.
Molecular consequence: missense variant.
Genome position (GRCh38, 1-based): chr1:154,571,421, A>C. VCF-style: chr1-154571421-A-C. GRCh37 (hg19) VCF-style: chr1-154543897-A-C.
Other names: short protein forms S200R.
Identifiers: ClinVar variation 4746155 (VCV004746155.1).

ClinVar aggregate classification (germline): Uncertain significance (1 of 4 stars; one submission).

Conditions:
Familial sleep-related hypermotor epilepsy. Also called: Autosomal Dominant Sleep-Related Hypermotor (Hyperkinetic) Epilepsy. Identifiers: Orphanet 98784, MedGen C3696898, MONDO:0000030.

Submission:

Labcorp Genetics (formerly Invitae), Labcorp
Classification: Uncertain significance. Last evaluated: 2025-08-30. Review status: criteria provided, single submitter. Criteria: Invitae Variant Classification Sherloc (09022015). Collection method: clinical testing. Allele origin: germline.
Comment: This sequence change replaces serine, which is neutral and polar, with arginine, which is basic and polar, at codon 200 of the CHRNB2 protein (p.Ser200Arg). This variant is not present in population databases (gnomAD no frequency). This variant has not been reported in the literature in individuals affected with CHRNB2-related conditions. Invitae Evidence Modeling of protein sequence and biophysical properties (such as structural, functional, and spatial information, amino acid conservation, physicochemical variation, residue mobility, and thermodynamic stability) indicates that this missense variant is expected to disrupt CHRNB2 protein function with a positive predictive value of 80%. In summary, the available evidence is currently insufficient to determine the role of this variant in disease. Therefore, it has been classified as a Variant of Uncertain Significance.